The following is an entry in ClinVar:

ClinVar aggregate classification (germline): Uncertain significance (1 of 4 stars; one submission).

Submission:

Ambry Genetics
Classification: Uncertain significance. Last evaluated: 2024-09-10. Review status: criteria provided, single submitter. Criteria: Ambry Variant Classification Scheme 2023. Collection method: clinical testing. Allele origin: germline.
Comment: The p.K9E variant (also known as c.25A>G), located in coding exon 1 of the POLQ gene, results from an A to G substitution at nucleotide position 25. The lysine at codon 9 is replaced by glutamic acid, an amino acid with similar properties. This amino acid position is conserved. In addition, this alteration is predicted to be tolerated by in silico analysis. Based on the available evidence, the clinical significance of this variant remains unclear.

NM_199420.4(POLQ):c.25A>G (p.Lys9Glu)

Genes: POLQ (DNA polymerase theta; minus strand), LOC112872292 (Sharpr-MPRA regulatory region 30; plus strand). Cytogenetic location: 3q13.33.
Variant type: single nucleotide variant.
Coding change: c.25A>G on transcript NM_199420.4 (MANE Select); coding-DNA position 25, A replaced by G.
Protein change: p.Lys9Glu; replaces lysine 9 with glutamic acid.
Molecular consequence: missense variant.
Genome position (GRCh38, 1-based): chr3:121,545,853, T>C on the plus strand (A>G on the coding strand, the complement: POLQ is on the minus strand). VCF-style: chr3-121545853-T-C. GRCh37 (hg19) VCF-style: chr3-121264700-T-C.
Other names: short protein forms K9E.
Identifiers: ClinVar variation 3422541 (VCV003422541.1).